The following is an entry in ClinVar:

NM_024675.4(PALB2):c.3041dup (p.Thr1015fs)

Gene: PALB2 (partner and localizer of BRCA2; minus strand). Cytogenetic location: 16p12.2.
Variant type: Duplication.
Coding change: c.3041dup on transcript NM_024675.4 (MANE Select); coding-DNA position 3041, one base duplicated (T; older notation c.3041dupT).
Protein change: p.Thr1015fs; shifts the reading frame from threonine 1015.
Molecular consequence: frameshift variant.
Genome position (GRCh38, 1-based): chr16:23,621,434, A duplicated on the plus strand (T on the coding strand, the reverse complement: PALB2 is on the minus strand). VCF-style (leftmost placement, unchanged base first): chr16-23621433-T-TA. GRCh37 (hg19) VCF-style: chr16-23632754-T-TA.
Other names: short protein forms T1015fs.
Identifiers: ClinVar variation 961200 (VCV000961200.8), dbSNP rs1966771199, ClinGen allele CA1139664573.
Genomic context (GRCh38, chr16:23,621,433, plus strand): 5'-GTTGTTCATAATAGTAGTACCAAGCAGAGCTTCTTGCATCCCTTGGACCTCAGCAAAAGT[T>TA]AGTATAGTCTCCTCAGGGGGCATCAAAAATTGGTTTTCTTTGCCTCTGTAATTAAAACAG-3'

ClinVar aggregate classification (germline): Pathogenic (1 of 4 stars; one submission).

Conditions:
Familial cancer of breast. Also called: BREAST CANCER, FAMILIAL; Hereditary breast cancer; hereditary breast carcinoma. Identifiers: Orphanet 227535, MedGen C0346153, MONDO:0016419, OMIM 114480. Disease mechanism: loss of function.

Submission:

Labcorp Genetics (formerly Invitae), Labcorp
Classification: Pathogenic for Familial cancer of breast. Last evaluated: 2019-09-25. Review status: criteria provided, single submitter. Criteria: Invitae Variant Classification Sherloc (09022015). Collection method: clinical testing. Allele origin: germline.
Comment: This sequence change creates a premature translational stop signal (p.Thr1015Asnfs*4) in the PALB2 gene. It is expected to result in an absent or disrupted protein product. This variant is not present in population databases (ExAC no frequency). This variant has not been reported in the literature in individuals with PALB2-related conditions. Loss-of-function variants in PALB2 are known to be pathogenic (PMID: 17200668, 24136930, 25099575). For these reasons, this variant has been classified as Pathogenic.

Literature cited by the submitters: PubMed 17200668; PubMed 24136930; PubMed 25099575.